The following is an entry in ClinVar:

NM_005591.4(MRE11):c.1205G>T (p.Arg402Ile)

Gene: MRE11 (MRE11 double strand break repair nuclease; minus strand). Cytogenetic location: 11q21.
Variant type: single nucleotide variant.
Coding change: c.1205G>T on transcript NM_005591.4 (MANE Select); coding-DNA position 1205, G replaced by T.
Protein change: p.Arg402Ile; replaces arginine 402 with isoleucine.
Molecular consequence: missense variant.
Genome position (GRCh38, 1-based): chr11:94,464,133, C>A on the plus strand (G>T on the coding strand, the complement: MRE11 is on the minus strand). VCF-style: chr11-94464133-C-A. GRCh37 (hg19) VCF-style: chr11-94197299-C-A.
Other names: c.1205G>T, p.Arg402Ile (NM_001330347.2, NM_005590.4); short protein forms R402I.
Identifiers: ClinVar variation 1800418 (VCV001800418.2), dbSNP rs778211645, ClinGen allele CA382372704.

ClinVar aggregate classification (germline): Uncertain significance (1 of 4 stars; one submission).

Conditions:
Hereditary cancer-predisposing syndrome. Also called: Neoplastic Syndromes, Hereditary; Tumor predisposition; Hereditary Cancer Syndrome; Hereditary neoplastic syndrome. Identifiers: Orphanet 140162, MedGen C0027672, MeSH D009386, MONDO:0015356.

Submission:

Ambry Genetics
Classification: Uncertain significance for Hereditary cancer-predisposing syndrome. Last evaluated: 2021-12-10. Review status: criteria provided, single submitter. Criteria: Ambry Variant Classification Scheme 2023. Collection method: clinical testing. Allele origin: germline.
Comment: The p.R402I variant (also known as c.1205G>T), located in coding exon 10 of the MRE11A gene, results from a G to T substitution at nucleotide position 1205. The arginine at codon 402 is replaced by isoleucine, an amino acid with similar properties. This amino acid position is conserved. In addition, the in silico prediction for this alteration is inconclusive. Since supporting evidence is limited at this time, the clinical significance of this alteration remains unclear.